The following is an entry in ClinVar:

ClinVar aggregate classification (germline): Benign/Likely benign. Review status: criteria provided, multiple submitters, no conflicts (2 of 4 stars). 2 submissions from 2 submitters: Benign (1); Likely benign (1). Last evaluated 2025-06-12.

Allele frequency attached by ClinVar (database versions not stated): TOPMed 0.00021; ExAC 0.00037; ESP Exome Variant Server 0.00046; gnomAD exomes 0.00048 and 0.00021; gnomAD 0.00017 and 0.00018.
gnomAD v4.1: 353 of 1,609,476 alleles (0.022%); highest among the groups gnomAD compares: Non-Finnish European, 0.004%; 2 homozygotes.

Submissions (2):

Labcorp Genetics (formerly Invitae), Labcorp
Classification: Benign. Last evaluated: 2025-06-12. Review status: criteria provided, single submitter. Criteria: Invitae Variant Classification Sherloc (09022015). Collection method: clinical testing. Allele origin: germline.

GeneDx
Classification: Likely benign. Last evaluated: 2017-02-15. Review status: criteria provided, single submitter. Criteria: GeneDx Variant Classification (06012015). Collection method: clinical testing. Allele origin: germline. Affected: yes.
Comment: This variant is considered likely benign or benign based on one or more of the following criteria: it is a conservative change, it occurs at a poorly conserved position in the protein, it is predicted to be benign by multiple in silico algorithms, and/or has population frequency not consistent with disease.

NM_002894.3(RBBP8):c.429-16T>C

Gene: RBBP8 (RB binding protein 8, endonuclease; plus strand). Cytogenetic location: 18q11.2.
Variant type: single nucleotide variant.
Coding change: c.429-16T>C on transcript NM_002894.3 (MANE Select); 16 bases into the intron before coding-DNA position 429, T replaced by C.
Molecular consequence: intron variant.
Genome position (GRCh38, 1-based): chr18:22,982,202, T>C. VCF-style: chr18-22982202-T-C. GRCh37 (hg19) VCF-style: chr18-20562165-T-C.
Other names: c.429-16T>C (NM_203292.2, NM_203291.2).
Identifiers: ClinVar variation 507413 (VCV000507413.5), dbSNP rs199948715, ClinGen allele CA8909827.
Genomic context (GRCh38, chr18:22,982,202, plus strand): 5'-CTGTAACTCCATGCCATGTAGTAAATGTTTTAATACTCATTGAATTGATTTTCTTTCCAT[T>C]GTCATTCTTCTCTAGGAATGATCAACAGCATCAAGCAGCTGAGCTTGAATGTGAGGAAGA-3'